The following is an entry in ClinVar:

NM_020376.4(PNPLA2):c.1457C>G (p.Pro486Arg)

Gene: PNPLA2 (patatin like domain 2, triacylglycerol lipase; plus strand). Cytogenetic location: 11p15.5.
Variant type: single nucleotide variant.
Coding change: c.1457C>G on transcript NM_020376.4 (MANE Select); coding-DNA position 1457, C replaced by G.
Protein change: p.Pro486Arg; replaces proline 486 with arginine.
Molecular consequence: missense variant.
Genome position (GRCh38, 1-based): chr11:824,804, C>G. VCF-style: chr11-824804-C-G. GRCh37 (hg19) VCF-style: chr11-824804-C-G.
Other names: short protein forms P486R.
Identifiers: ClinVar variation 2179640 (VCV002179640.6), dbSNP rs1274843840, ClinGen allele CA378985713.

ClinVar aggregate classification (germline): Uncertain significance. Review status: criteria provided, multiple submitters, no conflicts (2 of 4 stars). 2 submissions from 2 submitters: Uncertain significance (2). Last evaluated 2023-05-11.

Conditions:
Neutral lipid storage myopathy (NLSDM). Also called: NEUTRAL LIPID STORAGE DISEASE WITHOUT ICHTHYOSIS. Identifiers: Orphanet 98908, MedGen C1853136, MONDO:0012545, OMIM 610717.

Submissions (2):

Revvity Omics, Revvity
Classification: Uncertain significance for Neutral lipid storage myopathy. Last evaluated: 2023-05-11. Review status: criteria provided, single submitter. Criteria: ACMG Guidelines, 2015. Collection method: clinical testing. Allele origin: germline.

Labcorp Genetics (formerly Invitae), Labcorp
Classification: Uncertain significance for Neutral lipid storage myopathy. Last evaluated: 2022-08-08. Review status: criteria provided, single submitter. Criteria: Invitae Variant Classification Sherloc (09022015). Collection method: clinical testing. Allele origin: germline.
Comment: This variant has not been reported in the literature in individuals affected with PNPLA2-related conditions. This variant is present in population databases (no rsID available, gnomAD 0.03%). This sequence change replaces proline, which is neutral and non-polar, with arginine, which is basic and polar, at codon 486 of the PNPLA2 protein (p.Pro486Arg). In summary, the available evidence is currently insufficient to determine the role of this variant in disease. Therefore, it has been classified as a Variant of Uncertain Significance. Algorithms developed to predict the effect of missense changes on protein structure and function (SIFT, PolyPhen-2, Align-GVGD) all suggest that this variant is likely to be tolerated.